The following is an entry in ClinVar:

ClinVar aggregate classification (germline): Uncertain significance (1 of 4 stars; one submission).

Conditions:
Duchenne muscular dystrophy (DMD). Also called: MUSCULAR DYSTROPHY, PSEUDOHYPERTROPHIC PROGRESSIVE, DUCHENNE TYPE; Duchenne Muscular Dystrophy (DMD). Identifiers: Orphanet 98896, MedGen C0013264, MONDO:0010679, OMIM 310200.

Submission:

Labcorp Genetics (formerly Invitae), Labcorp
Classification: Uncertain significance for Duchenne muscular dystrophy. Last evaluated: 2023-06-14. Review status: criteria provided, single submitter. Criteria: Invitae Variant Classification Sherloc (09022015). Collection method: clinical testing. Allele origin: germline.
Comment: ClinVar contains an entry for this variant (Variation ID: 2001310). This variant has not been reported in the literature in individuals affected with DMD-related conditions. This variant is not present in population databases (gnomAD no frequency). This sequence change falls in intron 11 of the DMD gene. It does not directly change the encoded amino acid sequence of the DMD protein. It affects a nucleotide within the consensus splice site. Variants that disrupt the consensus splice site are a relatively common cause of aberrant splicing (PMID: 17576681, 9536098). Algorithms developed to predict the effect of sequence changes on RNA splicing suggest that this variant is not likely to affect RNA splicing. In summary, the available evidence is currently insufficient to determine the role of this variant in disease. Therefore, it has been classified as a Variant of Uncertain Significance.

Literature cited by the submitters: PubMed 17576681; PubMed 9536098.

NM_004006.3(DMD):c.1331+6T>A

Gene: DMD (dystrophin; minus strand). Cytogenetic location: Xp21.1.
Variant type: single nucleotide variant.
Coding change: c.1331+6T>A on transcript NM_004006.3 (MANE Select); 6 bases into the intron after coding-DNA position 1331, T replaced by A.
Molecular consequence: intron variant.
Genome position (GRCh38, 1-based): chrX:32,644,126, A>T on the plus strand (T>A on the coding strand, the complement: DMD is on the minus strand). VCF-style: chrX-32644126-A-T. GRCh37 (hg19) VCF-style: chrX-32662243-A-T.
Other names: c.1307+6T>A (NM_000109.4); c.1319+6T>A (NM_004009.3); c.962+6T>A (NM_004010.3).
Identifiers: ClinVar variation 2001310 (VCV002001310.4), dbSNP rs2059639691, ClinGen allele CA2580100728.